The following is an entry in ClinVar:

ClinVar aggregate classification (germline): Benign/Likely benign. Review status: criteria provided, multiple submitters, no conflicts (2 of 4 stars). 3 submissions from 3 submitters: Benign (2); Likely benign (1). Last evaluated 2026-02-01.

Conditions:
Sucrase-isomaltase deficiency (CSID). Also called: Deficiency of isomaltase; Congenital sucrose isomaltose malabsorption; Sucrose isomaltose enzyme deficiency; SI DEFICIENCY. Identifiers: Orphanet 35122, MedGen C1283620, MONDO:0009114, OMIM 222900.

Allele frequency attached by ClinVar (database versions not stated): ESP Exome Variant Server 0.00992; TOPMed 0.01037; 1000 Genomes Project 30x 0.01093; 1000 Genomes Project 0.01158.

Submissions (3):

Labcorp Genetics (formerly Invitae), Labcorp
Classification: Benign. Last evaluated: 2026-02-01. Review status: criteria provided, single submitter. Criteria: Invitae Variant Classification Sherloc (09022015). Collection method: clinical testing. Allele origin: germline.

Fulgent Genetics
Classification: Benign for Sucrase-isomaltase deficiency. Last evaluated: 2021-07-18. Review status: criteria provided, single submitter. Criteria: ACMG Guidelines, 2015. Collection method: clinical testing. Allele origin: unknown.

Illumina Laboratory Services, Illumina
Classification: Likely benign for Sucrase-isomaltase deficiency. Last evaluated: 2018-01-13. Review status: criteria provided, single submitter. Criteria: ICSL Variant Classification Criteria 13 December 2019. Collection method: clinical testing. Allele origin: germline.
Comment: This variant was observed in the ICSL laboratory as part of a predisposition screen in an ostensibly healthy population. It had not been previously curated by ICSL or reported in the Human Gene Mutation Database (HGMD: prior to June 1st, 2018), and was therefore a candidate for classification through an automated scoring system. Utilizing variant allele frequency, disease prevalence and penetrance estimates, and inheritance mode, an automated score was calculated to assess if this variant is too frequent to cause the disease. Based on the score and internal cut-off values, a variant classified as likely benign is not then subjected to further curation. The score for this variant resulted in a classification of likely benign for this disease.

NM_001041.4(SI):c.2244+14G>A

Gene: SI (sucrase-isomaltase; minus strand). Cytogenetic location: 3q26.1.
Variant type: single nucleotide variant.
Coding change: c.2244+14G>A on transcript NM_001041.4 (MANE Select); 14 bases into the intron after coding-DNA position 2244, G replaced by A.
Molecular consequence: intron variant.
Genome position (GRCh38, 1-based): chr3:165,039,873, C>T on the plus strand (G>A on the coding strand, the complement: SI is on the minus strand). VCF-style: chr3-165039873-C-T. GRCh37 (hg19) VCF-style: chr3-164757661-C-T.
Identifiers: ClinVar variation 976594 (VCV000976594.14), dbSNP rs114458546, ClinGen allele CA2690792.